The following is an entry in ClinVar:

ClinVar aggregate classification (germline): Uncertain significance. Review status: criteria provided, multiple submitters, no conflicts (2 of 4 stars). 2 submissions from 2 submitters: Uncertain significance (2). Last evaluated 2024-07-29.

Conditions:
Cardiovascular phenotype. Identifiers: MedGen CN230736.
Arrhythmogenic right ventricular cardiomyopathy (ARVD). Also called: Cardiomyopathy, ARVC; Arrhythmogenic right ventricular dysplasia; Arrhythmogenic cardiomyopathy; Arrhythmogenic Right Ventricular Cardiomyopathy (ARVC). Identifiers: Orphanet 247, MedGen C0349788, MeSH D019571, MONDO:0016587. Disease mechanism: loss of function. Inheritance: Various modes of inheritance.

gnomAD v4.1: 1 of 1,475,556 alleles (0.000068%); no homozygotes.

Submissions (2):

All of Us Research Program, National Institutes of Health
Classification: Uncertain significance for Arrhythmogenic right ventricular cardiomyopathy. Last evaluated: 2024-07-29. Review status: criteria provided, single submitter. Criteria: ACMG Guidelines, 2015. Collection method: clinical testing. Allele origin: germline. Inheritance: Autosomal dominant inheritance. Observed: 1 variant allele, 1 heterozygote.
Comment: This missense variant replaces proline with glutamine at codon 7 of the PKP2 protein. Computational prediction suggests that this variant may not impact protein structure and function (internally defined REVEL score threshold <= 0.5, PMID: 27666373). To our knowledge, functional studies have not been reported for this variant. This variant has not been reported in individuals affected with PKP2-related disorders in the literature. This variant has been identified in 1/87522 chromosomes in the general population by the Genome Aggregation Database (gnomAD). The available evidence is insufficient to determine the role of this variant in disease conclusively. Therefore, this variant is classified as a Variant of Uncertain Significance.

This study involves interpretation of variants in research participants for the purpose of population health screening. Participant phenotype was not available at the time of variant classification. Additional details can be found in publication PMID: 35346344, PMCID: PMC8962531

Ambry Genetics
Classification: Uncertain significance for Cardiovascular phenotype. Last evaluated: 2020-03-06. Review status: criteria provided, single submitter. Criteria: Ambry Variant Classification Scheme 2023. Collection method: clinical testing. Allele origin: germline.
Comment: The p.P7Q variant (also known as c.20C>A), located in coding exon 1 of the PKP2 gene, results from a C to A substitution at nucleotide position 20. The proline at codon 7 is replaced by glutamine, an amino acid with similar properties. This amino acid position is poorly conserved in available vertebrate species. In addition, this alteration is predicted to be tolerated by in silico analysis. Since supporting evidence is limited at this time, the clinical significance of this alteration remains unclear.

NM_001005242.3(PKP2):c.20C>A (p.Pro7Gln)

Gene: PKP2 (plakophilin 2; minus strand). Cytogenetic location: 12p11.21.
Variant type: single nucleotide variant.
Coding change: c.20C>A on transcript NM_001005242.3 (MANE Select); coding-DNA position 20, C replaced by A.
Protein change: p.Pro7Gln; replaces proline 7 with glutamine.
Molecular consequence: missense variant.
Genome position (GRCh38, 1-based): chr12:32,896,712, G>T on the plus strand (C>A on the coding strand, the complement: PKP2 is on the minus strand). VCF-style: chr12-32896712-G-T. GRCh37 (hg19) VCF-style: chr12-33049646-G-T.
Other names: c.20C>A, p.Pro7Gln (NM_001407155.1, NM_001407156.1, NM_001407157.1 and 2 more transcripts); c.-807C>A (NM_001407158.1, NM_001407162.1); c.-571C>A (NM_001407159.1, NM_001407160.1); short protein forms P7Q.
Identifiers: ClinVar variation 1785873 (VCV001785873.3), dbSNP rs1242113293, ClinGen allele CA384371773.
Genomic context (GRCh38, chr12:32,896,712, plus strand): 5'-CTGTCCAGTTGTCCCAGGATCTGCTGGCCCAGGACGGTCCGGATGTAGCCGTACTCAGCT[G>T]GGGCGCCGGGGGCTGCCATGGGGCCGGTGGGGGCGACCGAGCTGCTCGCCTGCCTCTGGA-3'
Protein context (NP_001005242.2, residues 1-17): MAAPGA[Pro7Gln]AEYGYIRTVL